The following is an entry in ClinVar:

ClinVar aggregate classification (germline): Likely pathogenic (1 of 4 stars; one submission).

Conditions:
Primary ciliary dyskinesia. Also called: Ciliary dyskinesia. Identifiers: Orphanet 244, MedGen C0008780, MONDO:0016575, HP:0012265.

Submission:

Natera, Inc.
Classification: Likely pathogenic for Primary ciliary dyskinesia. Last evaluated: 2024-03-26. Review status: criteria provided, single submitter. Criteria: Natera Variant Classification Schema (03/2026). Collection method: clinical testing. Allele origin: germline.
Comment: The c.3834+1G>T variant in DNAH5 is a canonical splice donor site variant predicted to affect pre-mRNA splicing, which may result in an abnormal transcript and altered protein product. This variant is expected to result in nonsense mediated decay, truncation, or a dysfunctional protein product. This variant is rare in the general population with a frequency below the threshold expected for the associated phenotype(s). Given the available evidence, this variant is classified as Likely Pathogenic.

NM_001369.3(DNAH5):c.3834+1G>T

Genes: DNAH5 (dynein axonemal heavy chain 5; minus strand), DNAH5-AS1 (DNAH5 antisense RNA 1; plus strand). Cytogenetic location: 5p15.2.
Variant type: single nucleotide variant.
Coding change: c.3834+1G>T on transcript NM_001369.3 (MANE Select); the canonical splice donor site of the intron after coding-DNA position 3834, G replaced by T.
Molecular consequence: splice donor variant.
Genome position (GRCh38, 1-based): chr5:13,870,766, C>A on the plus strand (G>T on the coding strand, the complement: DNAH5 is on the minus strand). VCF-style: chr5-13870766-C-A. GRCh37 (hg19) VCF-style: chr5-13870875-C-A.
Identifiers: ClinVar variation 4814887 (VCV004814887.1).
Genomic context (GRCh38, chr5:13,870,766, plus strand): 5'-TCAGCTAATAGCATCCAACATGTAGAAATATTTCTATAATGAACAAATGATCATTAGTTA[C>A]CTCAATAGGTCCTACTTGAAAGTCAATGGAGATTTGCTCCTCCCTTATTTCTTTCAGCGC-3'